The following is an entry in ClinVar:

ClinVar aggregate classification (germline): Uncertain significance (1 of 4 stars; one submission).

Conditions:
Primary ciliary dyskinesia. Also called: Ciliary dyskinesia. Identifiers: Orphanet 244, MedGen C0008780, MONDO:0016575, HP:0012265.

Allele frequency attached by ClinVar (database versions not stated): ExAC 0.00001; gnomAD 0.00002; gnomAD exomes 0.00002 and 0.00003; TOPMed 0.00002.
gnomAD v4.1: 49 of 1,613,764 alleles (0.003%); highest among the groups gnomAD compares: Non-Finnish European, 0.0038%; no homozygotes.

Submission:

Labcorp Genetics (formerly Invitae), Labcorp
Classification: Uncertain significance for Primary ciliary dyskinesia. Last evaluated: 2023-03-18. Review status: criteria provided, single submitter. Criteria: Invitae Variant Classification Sherloc (09022015). Collection method: clinical testing. Allele origin: germline.
Comment: This sequence change replaces isoleucine, which is neutral and non-polar, with valine, which is neutral and non-polar, at codon 3455 of the DNAH8 protein (p.Ile3455Val). This variant is present in population databases (rs774568425, gnomAD 0.004%). This variant has not been reported in the literature in individuals affected with DNAH8-related conditions. ClinVar contains an entry for this variant (Variation ID: 1009460). Advanced modeling of protein sequence and biophysical properties (such as structural, functional, and spatial information, amino acid conservation, physicochemical variation, residue mobility, and thermodynamic stability) performed at Invitae indicates that this missense variant is not expected to disrupt DNAH8 protein function. In summary, the available evidence is currently insufficient to determine the role of this variant in disease. Therefore, it has been classified as a Variant of Uncertain Significance.

NM_001206927.2(DNAH8):c.10363A>G (p.Ile3455Val)

Genes: DNAH8 (dynein axonemal heavy chain 8; plus strand), DNAH8-AS1 (DNAH8 antisense RNA 1; minus strand). Cytogenetic location: 6p21.2.
Variant type: single nucleotide variant.
Coding change: c.10363A>G on transcript NM_001206927.2 (MANE Select); coding-DNA position 10363, A replaced by G.
Protein change: p.Ile3455Val; replaces isoleucine 3455 with valine.
Molecular consequence: missense variant.
Genome position (GRCh38, 1-based): chr6:38,917,979, A>G. VCF-style: chr6-38917979-A-G. GRCh37 (hg19) VCF-style: chr6-38885755-A-G.
Other names: c.9712A>G, p.Ile3238Val (NM_001371.4); short protein forms I3238V, I3455V.
Identifiers: ClinVar variation 1009460 (VCV001009460.8), dbSNP rs774568425, ClinGen allele CA3790706.
Genomic context (GRCh38, chr6:38,917,979, plus strand): 5'-TTTCAGTTGATGAGTGCAACAGGATTCCTGTGGAGCCTTCAGCAGTTCCCTAAGGACACT[A>G]TAAATGAAGAGACTGTTGAGTTACTACAGCCATATTTTAATATGGATGATTATACTTTTG-3'
Protein context (NP_001193856.1, residues 3445-3465): WSLQQFPKDT[Ile3455Val]NEETVELLQP